The following is an entry in ClinVar:

ClinVar aggregate classification (germline): Uncertain significance. Review status: criteria provided, multiple submitters, no conflicts (2 of 4 stars). 2 submissions from 2 submitters: Uncertain significance (2). Last evaluated 2022-12-17.

Conditions:
Charcot-Marie-Tooth disease. Also called: Charcot-Marie-Tooth Hereditary Neuropathy; Charcot-Marie-Tooth Neuropathy. Identifiers: Orphanet 166, MedGen C0007959, MONDO:0015626.
Charcot-Marie-Tooth disease type 4. Also called: Charcot-Marie-Tooth, Type 4; Charcot-Marie-Tooth disease, type IV. Identifiers: Orphanet 64749, MedGen C4082197, MONDO:0018995.

Allele frequency attached by ClinVar (database versions not stated): gnomAD exomes 0.00001.
gnomAD v4.1: 3 of 1,611,836 alleles (0.00019%); highest among the groups gnomAD compares: Non-Finnish European, 0.00025%; no homozygotes.

Submissions (2):

Labcorp Genetics (formerly Invitae), Labcorp
Classification: Uncertain significance for Charcot-Marie-Tooth disease type 4. Last evaluated: 2022-12-17. Review status: criteria provided, single submitter. Criteria: Invitae Variant Classification Sherloc (09022015). Collection method: clinical testing. Allele origin: germline.
Comment: In summary, the available evidence is currently insufficient to determine the role of this variant in disease. Therefore, it has been classified as a Variant of Uncertain Significance. Advanced modeling of protein sequence and biophysical properties (such as structural, functional, and spatial information, amino acid conservation, physicochemical variation, residue mobility, and thermodynamic stability) performed at Invitae indicates that this missense variant is not expected to disrupt PRX protein function. ClinVar contains an entry for this variant (Variation ID: 917237). This missense change has been observed in individual(s) with clinical features of Charcot-Marie-Tooth disease (PMID: 32376792). This variant is present in population databases (no rsID available, gnomAD 0.002%). This sequence change replaces proline, which is neutral and non-polar, with serine, which is neutral and polar, at codon 725 of the PRX protein (p.Pro725Ser).

Molecular Genetics Laboratory, London Health Sciences Centre
Classification: Uncertain significance for Charcot-Marie-Tooth disease. Review status: criteria provided, single submitter. Criteria: ACMG Guidelines, 2015. Collection method: clinical testing. Allele origin: germline. Affected: yes.

Literature cited by the submitters: PubMed 32376792 (cited by Labcorp Genetics (formerly Invitae), Labcorp).

NM_181882.3(PRX):c.2173C>T (p.Pro725Ser)

Gene: PRX (periaxin; minus strand). Cytogenetic location: 19q13.2.
Variant type: single nucleotide variant.
Coding change: c.2173C>T on transcript NM_181882.3 (MANE Select); coding-DNA position 2173, C replaced by T.
Protein change: p.Pro725Ser; replaces proline 725 with serine.
Molecular consequence: missense variant. On other transcripts: 3 prime UTR variant (1).
Genome position (GRCh38, 1-based): chr19:40,396,179, G>A on the plus strand (C>T on the coding strand, the complement: PRX is on the minus strand). VCF-style: chr19-40396179-G-A. GRCh37 (hg19) VCF-style: chr19-40902086-G-A.
Other names: c.*2378C>T (NM_020956.2); short protein forms P725S.
Identifiers: ClinVar variation 917237 (VCV000917237.4), dbSNP rs1387072587, ClinGen allele CA405896842.